The following is an entry in ClinVar:

NM_201384.3(PLEC):c.11187dup (p.Thr3730fs)

Gene: PLEC (plectin; minus strand). Cytogenetic location: 8q24.3.
Variant type: Duplication.
Coding change: c.11187dup on transcript NM_201384.3 (MANE Select); coding-DNA position 11187, one base duplicated (C; older notation c.11187dupC).
Protein change: p.Thr3730fs; shifts the reading frame from threonine 3730.
Molecular consequence: frameshift variant.
Genome position (GRCh38, 1-based): chr8:143,918,634, G duplicated on the plus strand (C on the coding strand, the reverse complement: PLEC is on the minus strand); the first of 2 consecutive G bases (chr8:143,918,634-143,918,635); duplicating either gives the same sequence. VCF-style (leftmost placement, unchanged base first): chr8-143918633-T-TG. GRCh37 (hg19) VCF-style: chr8-144992801-T-TG.
Other names: c.7887dup, p.Thr2630fs (NM_001410941.1); c.11145dup, p.Thr3716fs (NM_201378.4); c.11121dup, p.Thr3708fs (NM_201379.3); c.11598dup, p.Thr3867fs (NM_201380.4); c.11091dup, p.Thr3698fs (NM_201381.3); c.11187dup, p.Thr3730fs (NM_201382.4); c.11199dup, p.Thr3734fs (NM_201383.3); c.11268dup, p.Thr3757fs (NM_000445.5); short protein forms T2630fs, T3708fs, T3734fs, T3867fs, T3716fs, T3730fs, T3757fs, T3698fs.
Identifiers: ClinVar variation 2952564 (VCV002952564.3), dbSNP rs2539340597, ClinGen allele CA2740095377.

ClinVar aggregate classification (germline): Pathogenic (1 of 4 stars; one submission).

Conditions:
Epidermolysis bullosa simplex with nail dystrophy (EBS5D). Identifiers: MedGen C4225309, MONDO:0014661, OMIM 616487.
Autosomal recessive limb-girdle muscular dystrophy type 2Q (LGMDR17). Also called: MUSCULAR DYSTROPHY, LIMB-GIRDLE, AUTOSOMAL RECESSIVE 17. Identifiers: Orphanet 254361, MedGen C3150989, MONDO:0013390, OMIM 613723.
Epidermolysis bullosa simplex 5C, with pyloric atresia (EBS5C). Also called: PLEC1-Related Epidermolysis Bullosa with Pyloric Atresia; PLEC-Related Epidermolysis Bullosa with Pyloric Atresia; Epidermolysis bullosa simplex with pyloric atresia. Identifiers: Orphanet 158684, MedGen C2677349, MONDO:0012807, OMIM 612138.
Epidermolysis bullosa simplex 5B, with muscular dystrophy (EBS5B). Also called: Epidermolysis bullosa simplex with muscular dystrophy; EPIDERMOLYSIS BULLOSA SIMPLEX AND LIMB-GIRDLE MUSCULAR DYSTROPHY. Identifiers: Orphanet 257, MedGen C2931072, MONDO:0009181, OMIM 226670.
Epidermolysis bullosa simplex, Ogna type (EBS5A). Also called: EPIDERMOLYSIS BULLOSA SIMPLEX 5A, OGNA TYPE; Pidermolysis bullosa simplex 5A, Ogna type. Identifiers: Orphanet 79401, MedGen C0432317, MONDO:0007555, OMIM 131950.

Submission:

Labcorp Genetics (formerly Invitae), Labcorp
Classification: Pathogenic for Autosomal recessive limb-girdle muscular dystrophy type 2Q; Epidermolysis bullosa simplex, Ogna type; Epidermolysis bullosa simplex with nail dystrophy; Epidermolysis bullosa simplex 5C, with pyloric atresia; Epidermolysis bullosa simplex 5B, with muscular dystrophy. Last evaluated: 2023-10-05. Review status: criteria provided, single submitter. Criteria: Invitae Variant Classification Sherloc (09022015). Collection method: clinical testing. Allele origin: germline.
Comment: This sequence change creates a premature translational stop signal (p.Thr3757Hisfs*17) in the PLEC gene. While this is not anticipated to result in nonsense mediated decay, it is expected to disrupt the last 818 amino acid(s) of the PLEC protein. This variant is not present in population databases (gnomAD no frequency). This variant has not been reported in the literature in individuals affected with PLEC-related conditions. This variant disrupts a region of the PLEC protein in which other variant(s) (p.Lys4460*) have been determined to be pathogenic (PMID: 10652002). This suggests that this is a clinically significant region of the protein, and that variants that disrupt it are likely to be disease-causing. For these reasons, this variant has been classified as Pathogenic.

Literature cited by the submitters: PubMed 10652002.